The following is an entry in ClinVar:

ClinVar aggregate classification (germline): Uncertain significance (1 of 4 stars; one submission).

Submission:

GeneDx
Classification: Uncertain significance. Last evaluated: 2025-05-31. Review status: criteria provided, single submitter. Criteria: GeneDx Variant Classification Process June 2021. Collection method: clinical testing. Allele origin: germline. Affected: yes.
Comment: Not observed at significant frequency in large population cohorts (gnomAD); In silico analysis supports a deleterious effect on protein structure/function; Has not been previously published as pathogenic or benign to our knowledge

NM_000827.4(GRIA1):c.1384_1385delinsTT (p.Gly462Leu)

Gene: GRIA1 (glutamate ionotropic receptor AMPA type subunit 1; plus strand). Cytogenetic location: 5q33.2.
Variant type: Indel.
Coding change: c.1384_1385delinsTT on transcript NM_000827.4 (MANE Select); coding-DNA positions 1384 to 1385, GG replaced by TT.
Protein change: p.Gly462Leu; replaces glycine 462 with leucine.
Molecular consequence: missense variant. On other transcripts: non-coding transcript variant (2).
Genome position (GRCh38, 1-based): chr5:153,699,005-153,699,006, GG replaced by TT. VCF-style: chr5-153699005-GG-TT. GRCh37 (hg19) VCF-style: chr5-153078565-GG-TT.
Other names: c.1384_1385delinsTT, p.Gly462Leu (NM_001114183.2); c.1144_1145delinsTT, p.Gly382Leu (NM_001258019.2); c.1099_1100delinsTT, p.Gly367Leu (NM_001258020.2); c.1414_1415delinsTT, p.Gly472Leu (NM_001258021.2, NM_001258022.2); c.1177_1178delinsTT, p.Gly393Leu (NM_001258023.1, NM_001364167.2); c.1216_1217delinsTT, p.Gly406Leu (NM_001364165.2); c.1411_1412delinsTT, p.Gly471Leu (NM_001364166.2); short protein forms G367L, G382L, G393L, G406L, G462L, G471L, G472L.
Identifiers: ClinVar variation 4532773 (VCV004532773.1).